The following is an entry in ClinVar:

ClinVar aggregate classification (germline): Uncertain significance (1 of 4 stars; one submission).

Conditions:
Ullrich congenital muscular dystrophy 2 (UCMD2). Identifiers: Orphanet 75840, MedGen C4225314, MONDO:0014654, OMIM 616470.
Bethlem myopathy 2 (BTHLM2). Identifiers: Orphanet 536516, Orphanet 610, MedGen C4225313, MONDO:0034022, OMIM 616471.

Allele frequency attached by ClinVar (database versions not stated): gnomAD exomes below 0.00001.
gnomAD v4.1: 1 of 1,613,156 alleles (0.000062%); highest among the groups gnomAD compares: Non-Finnish European, 0.000085%; no homozygotes.

Submission:

Labcorp Genetics (formerly Invitae), Labcorp
Classification: Uncertain significance for Bethlem myopathy 2; Ullrich congenital muscular dystrophy 2. Last evaluated: 2019-05-01. Review status: criteria provided, single submitter. Criteria: Invitae Variant Classification Sherloc (09022015). Collection method: clinical testing. Allele origin: germline.
Comment: This sequence change replaces aspartic acid with tyrosine at codon 146 of the COL12A1 protein (p.Asp146Tyr). The aspartic acid residue is highly conserved and there is a large physicochemical difference between aspartic acid and tyrosine. This variant is not present in population databases (ExAC no frequency). This variant has not been reported in the literature in individuals with COL12A1-related conditions. Algorithms developed to predict the effect of missense changes on protein structure and function are either unavailable or do not agree on the potential impact of this missense change (SIFT: "Deleterious"; PolyPhen-2: "Probably Damaging"; Align-GVGD: "Class C0"). Algorithms developed to predict the effect of sequence changes on RNA splicing suggest that this variant may create or strengthen a splice site, but this prediction has not been confirmed by published transcriptional studies. In summary, the available evidence is currently insufficient to determine the role of this variant in disease. Therefore, it has been classified as a Variant of Uncertain Significance.

NM_004370.6(COL12A1):c.436G>T (p.Asp146Tyr)

Gene: COL12A1 (collagen type XII alpha 1 chain; minus strand). Cytogenetic location: 6q13.
Variant type: single nucleotide variant.
Coding change: c.436G>T on transcript NM_004370.6 (MANE Select); coding-DNA position 436, G replaced by T.
Protein change: p.Asp146Tyr; replaces aspartic acid 146 with tyrosine.
Molecular consequence: missense variant. On other transcripts: intron variant (1).
Genome position (GRCh38, 1-based): chr6:75,189,774, C>A on the plus strand (G>T on the coding strand, the complement: COL12A1 is on the minus strand). VCF-style: chr6-75189774-C-A. GRCh37 (hg19) VCF-style: chr6-75899490-C-A.
Other names: c.73+12946G>T (NM_080645.3); short protein forms D146Y.
Identifiers: ClinVar variation 952079 (VCV000952079.1), dbSNP rs1394611159, ClinGen allele CA364729738.